The following is an entry in ClinVar:

NM_001035.3(RYR2):c.7658A>G (p.Tyr2553Cys)

Gene: RYR2 (ryanodine receptor 2; plus strand). Cytogenetic location: 1q43.
Variant type: single nucleotide variant.
Coding change: c.7658A>G on transcript NM_001035.3 (MANE Select); coding-DNA position 7658, A replaced by G.
Protein change: p.Tyr2553Cys; replaces tyrosine 2553 with cysteine.
Molecular consequence: missense variant.
Genome position (GRCh38, 1-based): chr1:237,650,022, A>G. VCF-style: chr1-237650022-A-G. GRCh37 (hg19) VCF-style: chr1-237813322-A-G.
Other names: c.7658A>G, p.Tyr2553Cys (LRG_402t1); short protein forms Y2553C.
Identifiers: ClinVar variation 572481 (VCV000572481.19), dbSNP rs1358268703, ClinGen allele CA345399284.
Genomic context (GRCh38, chr1:237,650,022, plus strand): 5'-CTCTCTTTGCTGGCACAGAGCACCACGCTTCTCTCATTGACTCATTACTTCATACTGTGT[A>G]TAGACTTTCTAAGGGCTGTTCACTTACCAAAGCTCAGCGGGATTCCATAGAAGTTTGTTT-3'
Protein context (NP_001026.2, residues 2543-2563): SLIDSLLHTV[Tyr2553Cys]RLSKGCSLTK

ClinVar aggregate classification (germline): Uncertain significance. Review status: criteria provided, multiple submitters, no conflicts (2 of 4 stars). 4 submissions from 4 submitters: Uncertain significance (4). Last evaluated 2025-10-29.

Conditions:
Catecholaminergic polymorphic ventricular tachycardia (CVPT). Also called: Catecholamine-induced polymorphic ventricular tachycardia. Identifiers: Orphanet 3286, MedGen C5574922, MONDO:0017990.
Cardiomyopathy (CMYO). Also called: Cardiomyopathies. Identifiers: Orphanet 167848, MedGen C0878544, MONDO:0004994, HP:0001638. Inheritance: Various modes of inheritance.
Catecholaminergic polymorphic ventricular tachycardia 1. Also called: RYR2-Related Catecholaminergic Polymorphic Ventricular Tachycardia; VENTRICULAR TACHYCARDIA, CATECHOLAMINERGIC POLYMORPHIC, 1, WITH OR WITHOUT ATRIAL DYSFUNCTION AND/OR DILATED CARDIOMYOPATHY; VENTRICULAR TACHYCARDIA, STRESS-INDUCED POLYMORPHIC 1. Identifiers: Orphanet 3286, MedGen C1631597, MONDO:0011484, OMIM 604772.

Allele frequency attached by ClinVar (database versions not stated): gnomAD exomes below 0.00001; gnomAD 0.00001; TOPMed 0.00001.
gnomAD v4.1: 7 of 1,613,912 alleles (0.00043%); highest among the groups gnomAD compares: Non-Finnish European, 0.00051%; no homozygotes.

Submissions (4):

Labcorp Genetics (formerly Invitae), Labcorp
Classification: Uncertain significance for Catecholaminergic polymorphic ventricular tachycardia 1. Last evaluated: 2025-10-29. Review status: criteria provided, single submitter. Criteria: Invitae Variant Classification Sherloc (09022015). Collection method: clinical testing. Allele origin: germline.
Comment: This sequence change replaces tyrosine, which is neutral and polar, with cysteine, which is neutral and slightly polar, at codon 2553 of the RYR2 protein (p.Tyr2553Cys). This variant is not present in population databases (gnomAD no frequency). This variant has not been reported in the literature in individuals affected with RYR2-related conditions. ClinVar contains an entry for this variant (Variation ID: 572481). Invitae Evidence Modeling of protein sequence and biophysical properties (such as structural, functional, and spatial information, amino acid conservation, physicochemical variation, residue mobility, and thermodynamic stability) indicates that this missense variant is expected to disrupt RYR2 protein function with a positive predictive value of 95%. In summary, the available evidence is currently insufficient to determine the role of this variant in disease. Therefore, it has been classified as a Variant of Uncertain Significance.

Color Diagnostics, LLC DBA Color Health
Classification: Uncertain significance for Cardiomyopathy. Last evaluated: 2024-03-06. Review status: criteria provided, single submitter. Criteria: ACMG Guidelines, 2015. Collection method: clinical testing. Allele origin: germline.
Comment: This missense variant replaces tyrosine with cysteine at codon 2553 of the RYR2 protein. Computational prediction suggests that this variant may have deleterious impact on protein structure and function (internally defined REVEL score threshold >= 0.7, PMID: 27666373). Splice site prediction tools suggest that this variant may not impact RNA splicing. To our knowledge, functional studies have not been performed for this variant. This variant has not been reported in individuals affected with cardiovascular disorders in the literature. This variant has been identified in 1/249284 chromosomes in the general population by the Genome Aggregation Database (gnomAD). The available evidence is insufficient to determine the role of this variant in disease conclusively. Therefore, this variant is classified as a Variant of Uncertain Significance.

All of Us Research Program, National Institutes of Health
Classification: Uncertain significance for Catecholaminergic polymorphic ventricular tachycardia. Last evaluated: 2023-07-22. Review status: criteria provided, single submitter. Criteria: ACMG Guidelines, 2015. Collection method: clinical testing. Allele origin: germline. Inheritance: Autosomal dominant inheritance. Observed: 2 variant alleles, 2 heterozygotes.
Comment: This missense variant replaces tyrosine with cysteine at codon 2553 of the RYR2 protein. Computational prediction suggests that this variant may have deleterious impact on protein structure and function (internally defined REVEL score threshold >= 0.7, PMID: 27666373). Splice site prediction tools suggest that this variant may not impact RNA splicing. To our knowledge, functional studies have not been performed for this variant. This variant has not been reported in individuals affected with cardiovascular disorders in the literature. This variant has been identified in 1/249284 chromosomes in the general population by the Genome Aggregation Database (gnomAD). The available evidence is insufficient to determine the role of this variant in disease conclusively. Therefore, this variant is classified as a Variant of Uncertain Significance.

This study involves interpretation of variants in research participants for the purpose of population health screening. Participant phenotype was not available at the time of variant classification. Additional details can be found in publication PMID: 35346344, PMCID: PMC8962531

GeneDx
Classification: Uncertain significance. Last evaluated: 2022-05-12. Review status: criteria provided, single submitter. Criteria: GeneDx Variant Classification Process June 2021. Collection method: clinical testing. Allele origin: germline. Affected: yes.
Comment: Has not been previously published as pathogenic or benign to our knowledge; Not observed at significant frequency in large population cohorts (gnomAD); In silico analysis supports that this missense variant has a deleterious effect on protein structure/function; Not located in one of the three hot-spot regions of the RYR2 gene, where the majority of pathogenic missense variants occur (Medeiros-Domingo et al., 2009); This variant is associated with the following publications: (PMID: 19926015)